The following is an entry in ClinVar:

NM_004385.5(VCAN):c.6140A>G (p.Glu2047Gly)

Genes: VCAN (versican; plus strand), VCAN-AS1 (VCAN antisense RNA 1; minus strand). Cytogenetic location: 5q14.3.
Variant type: single nucleotide variant.
Coding change: c.6140A>G on transcript NM_004385.5 (MANE Select); coding-DNA position 6140, A replaced by G.
Protein change: p.Glu2047Gly; replaces glutamic acid 2047 with glycine.
Molecular consequence: missense variant. On other transcripts: intron variant (2).
Genome position (GRCh38, 1-based): chr5:83,539,143, A>G. VCF-style: chr5-83539143-A-G. GRCh37 (hg19) VCF-style: chr5-82834962-A-G.
Other names: c.3179A>G, p.Glu1060Gly (NM_001164097.2); c.4004-6394A>G (NM_001164098.2); c.1043-6394A>G (NM_001126336.3); short protein forms E1060G, E2047G.
Identifiers: ClinVar variation 2108809 (VCV002108809.4), dbSNP rs760414455, ClinGen allele CA3333437.

ClinVar aggregate classification (germline): Uncertain significance (1 of 4 stars; one submission).

Allele frequency attached by ClinVar (database versions not stated): ExAC 0.00001; gnomAD exomes 0.00001.
gnomAD v4.1: 3 of 1,614,002 alleles (0.00019%); highest among the groups gnomAD compares: Non-Finnish European, 0.00025%; no homozygotes.

Submission:

Labcorp Genetics (formerly Invitae), Labcorp
Classification: Uncertain significance. Last evaluated: 2022-12-31. Review status: criteria provided, single submitter. Criteria: Invitae Variant Classification Sherloc (09022015). Collection method: clinical testing. Allele origin: germline.
Comment: In summary, the available evidence is currently insufficient to determine the role of this variant in disease. Therefore, it has been classified as a Variant of Uncertain Significance. Algorithms developed to predict the effect of missense changes on protein structure and function (SIFT, PolyPhen-2, Align-GVGD) all suggest that this variant is likely to be tolerated. This sequence change replaces glutamic acid, which is acidic and polar, with glycine, which is neutral and non-polar, at codon 2047 of the VCAN protein (p.Glu2047Gly). This variant is present in population databases (rs760414455, gnomAD 0.0009%). This variant has not been reported in the literature in individuals affected with VCAN-related conditions.